The following is an entry in ClinVar:

ClinVar aggregate classification (germline): Uncertain significance. Review status: criteria provided, multiple submitters, no conflicts (2 of 4 stars). 5 submissions from 5 submitters: Uncertain significance (5). Last evaluated 2026-01-24.

Conditions:
LRBA-related disorder. Also called: LRBA-related condition.
Inborn genetic diseases. Identifiers: MedGen C0950123, MeSH D030342.
Combined immunodeficiency due to LRBA deficiency. Also called: Common variable immunodeficiency 8, with autoimmunity. Identifiers: Orphanet 445018, MedGen C3553512, MONDO:0013863, OMIM 614700.

Allele frequency attached by ClinVar (database versions not stated): ExAC 0.00004; TOPMed 0.00008; gnomAD 0.00009 and 0.00010.

Submissions (5):

Labcorp Genetics (formerly Invitae), Labcorp
Classification: Uncertain significance for Combined immunodeficiency due to LRBA deficiency. Last evaluated: 2026-01-24. Review status: criteria provided, single submitter. Criteria: Invitae Variant Classification Sherloc (09022015). Collection method: clinical testing. Allele origin: germline.
Comment: This sequence change replaces alanine, which is neutral and non-polar, with threonine, which is neutral and polar, at codon 1967 of the LRBA protein (p.Ala1967Thr). This variant is present in population databases (rs141395658, gnomAD 0.01%). This variant has not been reported in the literature in individuals affected with LRBA-related conditions. ClinVar contains an entry for this variant (Variation ID: 657092). Invitae Evidence Modeling of protein sequence and biophysical properties (such as structural, functional, and spatial information, amino acid conservation, physicochemical variation, residue mobility, and thermodynamic stability) indicates that this missense variant is not expected to disrupt LRBA protein function with a negative predictive value of 80%. In summary, the available evidence is currently insufficient to determine the role of this variant in disease. Therefore, it has been classified as a Variant of Uncertain Significance.

Ambry Genetics
Classification: Uncertain significance for Inborn genetic diseases. Last evaluated: 2025-12-02. Review status: criteria provided, single submitter. Criteria: Ambry Variant Classification Scheme 2023. Collection method: clinical testing. Allele origin: germline.

PreventionGenetics, part of Exact Sciences
Classification: Uncertain significance for LRBA-related condition. Last evaluated: 2023-01-24. Review status: criteria provided, single submitter. Criteria: ACMG Guidelines, 2015. Collection method: clinical testing. Allele origin: germline.
Comment: The LRBA c.5899G>A variant is predicted to result in the amino acid substitution p.Ala1967Thr. To our knowledge, this variant has not been reported in the literature. This variant is reported in 0.014% of alleles in individuals of European (Non-Finnish) descent in gnomAD. At this time, the clinical significance of this variant is uncertain due to the absence of conclusive functional and genetic evidence.

Revvity Omics, Revvity
Classification: Uncertain significance for Combined immunodeficiency due to LRBA deficiency. Last evaluated: 2020-09-21. Review status: criteria provided, single submitter. Criteria: ACMG Guidelines, 2015. Collection method: clinical testing. Allele origin: germline.

Baylor Genetics
Classification: Uncertain significance for Combined immunodeficiency due to LRBA deficiency. Last evaluated: 2018-06-15. Review status: criteria provided, single submitter. Criteria: ACMG Guidelines, 2015. Collection method: clinical testing. Allele origin: maternal. Affected: yes.
Comment: This variant was determined to be of uncertain significance according to ACMG Guidelines, 2015 [PMID:25741868].

NM_001364905.1(LRBA):c.5899G>A (p.Ala1967Thr)

Gene: LRBA (LPS responsive beige-like anchor protein; minus strand). Cytogenetic location: 4q31.3.
Variant type: single nucleotide variant.
Coding change: c.5899G>A on transcript NM_001364905.1 (MANE Select); coding-DNA position 5899, G replaced by A.
Protein change: p.Ala1967Thr; replaces alanine 1967 with threonine.
Molecular consequence: missense variant.
Genome position (GRCh38, 1-based): chr4:150,683,573, C>T on the plus strand (G>A on the coding strand, the complement: LRBA is on the minus strand). VCF-style: chr4-150683573-C-T. GRCh37 (hg19) VCF-style: chr4-151604725-C-T.
Other names: c.5899G>A, p.Ala1967Thr (NM_001199282.3, NM_001367550.1, NM_006726.5); short protein forms A1967T.
Identifiers: ClinVar variation 657092 (VCV000657092.12), dbSNP rs141395658, ClinGen allele CA3102321.